The following is an entry in ClinVar:

NM_177438.3(DICER1):c.4727A>G (p.Glu1576Gly)

Gene: DICER1 (dicer 1, ribonuclease III; minus strand). Cytogenetic location: 14q32.13.
Variant type: single nucleotide variant.
Coding change: c.4727A>G on transcript NM_177438.3 (MANE Select); coding-DNA position 4727, A replaced by G.
Protein change: p.Glu1576Gly; replaces glutamic acid 1576 with glycine.
Molecular consequence: missense variant. On other transcripts: non-coding transcript variant (6).
Genome position (GRCh38, 1-based): chr14:95,096,193, T>C on the plus strand (A>G on the coding strand, the complement: DICER1 is on the minus strand). VCF-style: chr14-95096193-T-C. GRCh37 (hg19) VCF-style: chr14-95562530-T-C.
Other names: c.4727A>G, p.Glu1576Gly (NM_001395678.1, NM_001395679.1, NM_001395680.1 and 12 more transcripts); c.4445A>G, p.Glu1482Gly (NM_001395686.1); c.4322A>G, p.Glu1441Gly (NM_001395687.1, NM_001395688.1, NM_001395689.1 and 2 more transcripts); c.4160A>G, p.Glu1387Gly (NM_001395691.1); c.3044A>G, p.Glu1015Gly (NM_001395697.1); short protein forms E1441G, E1576G, E1015G, E1482G, E1387G.
Identifiers: ClinVar variation 3660778 (VCV003660778.2).

ClinVar aggregate classification (germline): Uncertain significance (1 of 4 stars; one submission).

Conditions:
DICER1-related tumor predisposition. Also called: DICER1-related pleuropulmonary blastoma cancer predisposition syndrome; DICER1 syndrome. Identifiers: Orphanet 284343, MedGen C3839822, MONDO:0100216.

Submission:

Labcorp Genetics (formerly Invitae), Labcorp
Classification: Uncertain significance for DICER1-related tumor predisposition. Last evaluated: 2024-07-30. Review status: criteria provided, single submitter. Criteria: Invitae Variant Classification Sherloc (09022015). Collection method: clinical testing. Allele origin: germline.
Comment: This sequence change replaces glutamic acid, which is acidic and polar, with glycine, which is neutral and non-polar, at codon 1576 of the DICER1 protein (p.Glu1576Gly). This variant is not present in population databases (gnomAD no frequency). This variant has not been reported in the literature in individuals affected with DICER1-related conditions. Advanced modeling of protein sequence and biophysical properties (such as structural, functional, and spatial information, amino acid conservation, physicochemical variation, residue mobility, and thermodynamic stability) performed at Invitae indicates that this missense variant is not expected to disrupt DICER1 protein function with a negative predictive value of 80%. In summary, the available evidence is currently insufficient to determine the role of this variant in disease. Therefore, it has been classified as a Variant of Uncertain Significance.